The following is an entry in ClinVar:

ClinVar aggregate classification (germline): Likely pathogenic. Review status: criteria provided, multiple submitters, no conflicts (2 of 4 stars). 2 submissions from 2 submitters: Likely pathogenic (2). Last evaluated 2024-03-25.

Conditions:
Joubert syndrome 25 (JBTS25). Identifiers: Orphanet 475, MedGen C4084842, MONDO:0014770, OMIM 616781.
Intellectual developmental disorder, autosomal recessive 77 (MRT77). Identifiers: MedGen C5774193, MONDO:0031031, OMIM 619988.
Joubert syndrome and related disorders. Identifiers: Orphanet 140874, MedGen C5679612, MONDO:0015369.

Submissions (2):

Fulgent Genetics
Classification: Likely pathogenic for Joubert syndrome 25; Intellectual developmental disorder, autosomal recessive 77. Last evaluated: 2024-03-25. Review status: criteria provided, single submitter. Criteria: ACMG Guidelines, 2015. Collection method: clinical testing. Allele origin: germline.

Women's Health and Genetics/Laboratory Corporation of America, LabCorp
Classification: Likely pathogenic for Joubert syndrome and related disorders. Last evaluated: 2022-07-14. Review status: criteria provided, single submitter. Criteria: LabCorp Variant Classification Summary - May 2015. Collection method: clinical testing. Allele origin: germline.
Comment: Variant summary: CEP104 c.2286delA (p.Glu762AspfsX19) results in a premature termination codon, predicted to cause a truncation of the encoded protein or absence of the protein due to nonsense mediated decay, which are commonly known mechanisms for disease. Splice-site variants downstream of this position have been reported in patients with Joubert syndrome, with at least one of them reported to lead to premature termination following cDNA sequencing (PMIDs: 31625690, 26477546). The variant allele was found at a frequency of 1.6e-05 in 251486 control chromosomes (gnomAD). To our knowledge, no occurrence of c.2286delA in individuals affected with Joubert Syndrome And Related Disorders and no experimental evidence demonstrating its impact on protein function have been reported. No clinical diagnostic laboratories have submitted clinical-significance assessments for this variant to ClinVar after 2014. Based on the evidence outlined above, the variant was classified as likely pathogenic.

NM_014704.4(CEP104):c.2286del (p.Glu762fs)

Gene: CEP104 (centrosomal protein 104; minus strand). Cytogenetic location: 1p36.32.
Variant type: Deletion.
Coding change: c.2286del on transcript NM_014704.4 (MANE Select); coding-DNA position 2286, one base deleted (A; older notation c.2286delA).
Protein change: p.Glu762fs; shifts the reading frame from glutamic acid 762.
Molecular consequence: frameshift variant.
Genome position (GRCh38, 1-based): chr1:3,825,836, T deleted on the plus strand (A on the coding strand, the reverse complement: CEP104 is on the minus strand); the first of 2 consecutive T bases (chr1:3,825,836-3,825,837); deleting either gives the same sequence. VCF-style (leftmost placement, unchanged base first): chr1-3825835-AT-A. GRCh37 (hg19) VCF-style: chr1-3742399-AT-A.
Other names: c.2286delA (NM_014704.3); short protein forms E762fs.
Identifiers: ClinVar variation 1704568 (VCV001704568.2), dbSNP rs751734367, ClinGen allele CA551334.